The following is an entry in ClinVar:

NM_000180.4(GUCY2D):c.2335G>A (p.Glu779Lys)

Gene: GUCY2D (guanylate cyclase 2D, retinal; plus strand). Cytogenetic location: 17p13.1.
Variant type: single nucleotide variant.
Coding change: c.2335G>A on transcript NM_000180.4 (MANE Select); coding-DNA position 2335, G replaced by A.
Protein change: p.Glu779Lys; replaces glutamic acid 779 with lysine.
Molecular consequence: missense variant.
Genome position (GRCh38, 1-based): chr17:8,013,951, G>A. VCF-style: chr17-8013951-G-A. GRCh37 (hg19) VCF-style: chr17-7917269-G-A.
Other names: short protein forms E779K.
Identifiers: ClinVar variation 2419621 (VCV002419621.4), dbSNP rs541299023, ClinGen allele CA8366090.

ClinVar aggregate classification (germline): Uncertain significance. Review status: criteria provided, multiple submitters, no conflicts (2 of 4 stars). 2 submissions from 2 submitters: Uncertain significance (2). Last evaluated 2022-08-06.

Conditions:
Cone-rod dystrophy 6 (CORD6). Also called: Cone dystrophy progressive; RETINAL CONE DYSTROPHY 2. Identifiers: Orphanet 1872, MedGen C1866293, MONDO:0011143, OMIM 601777.
Leber congenital amaurosis 1 (LCA1). Also called: AMAUROSIS CONGENITA OF LEBER I; Congenital absence of the rods and cones; Leber's congenital tapetoretinal degeneration; Leber's congenital tapetoretinal dysplasia; RETINAL BLINDNESS, CONGENITAL. Identifiers: Orphanet 65, MedGen C2931258, MONDO:0008764, OMIM 204000.

Allele frequency attached by ClinVar (database versions not stated): ExAC 0.00001; 1000 Genomes Project 30x 0.00031; 1000 Genomes Project 0.00040.

Submissions (2):

Labcorp Genetics (formerly Invitae), Labcorp
Classification: Uncertain significance for Leber congenital amaurosis 1; Cone-rod dystrophy 6. Last evaluated: 2022-08-06. Review status: criteria provided, single submitter. Criteria: Invitae Variant Classification Sherloc (09022015). Collection method: clinical testing. Allele origin: germline.
Comment: This sequence change replaces glutamic acid, which is acidic and polar, with lysine, which is basic and polar, at codon 779 of the GUCY2D protein (p.Glu779Lys). This variant is present in population databases (rs541299023, gnomAD 0.01%). This variant has not been reported in the literature in individuals affected with GUCY2D-related conditions. Algorithms developed to predict the effect of missense changes on protein structure and function (SIFT, PolyPhen-2, Align-GVGD) all suggest that this variant is likely to be disruptive. In summary, the available evidence is currently insufficient to determine the role of this variant in disease. Therefore, it has been classified as a Variant of Uncertain Significance.

Blueprint Genetics
Classification: Uncertain significance. Last evaluated: 2018-10-12. Review status: criteria provided, single submitter. Criteria: ACMG Guidelines, 2015. Collection method: clinical testing. Allele origin: germline.